The following is an entry in ClinVar:

NM_004260.4(RECQL4):c.421A>G (p.Lys141Glu)

Gene: RECQL4 (RecQ like helicase 4; minus strand). Cytogenetic location: 8q24.3.
Variant type: single nucleotide variant.
Coding change: c.421A>G on transcript NM_004260.4 (MANE Select); coding-DNA position 421, A replaced by G.
Protein change: p.Lys141Glu; replaces lysine 141 with glutamic acid.
Molecular consequence: missense variant. On other transcripts: 5 prime UTR variant (13), non-coding transcript variant (3), intron variant (5).
Genome position (GRCh38, 1-based): chr8:144,516,698, T>C on the plus strand (A>G on the coding strand, the complement: RECQL4 is on the minus strand). VCF-style: chr8-144516698-T-C. GRCh37 (hg19) VCF-style: chr8-145742082-T-C.
Other names: c.421A>G, p.Lys141Glu (NM_001413017.1, NM_001413018.1, NM_001413019.1 and 4 more transcripts); c.-651A>G (NM_001413022.1, NM_001413023.1, NM_001413037.1 and 3 more transcripts); c.292A>G, p.Lys98Glu (NM_001413025.1); c.-713A>G (NM_001413027.1, NM_001413030.1, NM_001413031.1 and 1 more transcripts); c.-376A>G (NM_001413028.1); c.-555A>G (NM_001413034.1); c.-920A>G (NM_001413043.1); c.355-285A>G (NM_001413029.1); and 3 more; short protein forms K98E, K141E.
Identifiers: ClinVar variation 4841575 (VCV004841575.1).
Genomic context (GRCh38, chr8:144,516,698, plus strand): 5'-GTGGAGGCTCATCACTGACTTTTTCTGCAAAGGAGGGGACAGGCCCTGTACCTGGGGGCT[T>C]TGGGGTGGATGCCTTAGATGAGGCTCTTCCTAGAGGCCACGGTCTGCGGCCCAGGGCTGG-3'
Protein context (NP_004251.4, residues 131-151): GRASSKASTP[Lys141Glu]PPGTGPVPSF

ClinVar aggregate classification (germline): Uncertain significance (1 of 4 stars; one submission).

Conditions:
Inborn genetic diseases. Identifiers: MedGen C0950123, MeSH D030342.

Submission:

Ambry Genetics
Classification: Uncertain significance for Inborn genetic diseases. Last evaluated: 2026-01-13. Review status: criteria provided, single submitter. Criteria: Ambry Variant Classification Scheme 2023. Collection method: clinical testing. Allele origin: germline.
Comment: The p.K141E variant (also known as c.421A>G), located in coding exon 5 of the RECQL4 gene, results from an A to G substitution at nucleotide position 421. The lysine at codon 141 is replaced by glutamic acid, an amino acid with similar properties. This amino acid position is conserved. In addition, this alteration is predicted to be tolerated by in silico analysis. Based on the available evidence, the clinical significance of this variant remains unclear.